The following is an entry in ClinVar:

NM_000489.6(ATRX):c.86C>A (p.Ser29Tyr)

Gene: ATRX (ATRX chromatin remodeler; minus strand). Cytogenetic location: Xq21.1.
Variant type: single nucleotide variant.
Coding change: c.86C>A on transcript NM_000489.6 (MANE Select); coding-DNA position 86, C replaced by A.
Protein change: p.Ser29Tyr; replaces serine 29 with tyrosine.
Molecular consequence: missense variant.
Genome position (GRCh38, 1-based): chrX:77,717,178, G>T on the plus strand (C>A on the coding strand, the complement: ATRX is on the minus strand). VCF-style: chrX-77717178-G-T. GRCh37 (hg19) VCF-style: chrX-76972655-G-T.
Other names: c.86C>A, p.Ser29Tyr (NM_138270.5); short protein forms S29Y.
Identifiers: ClinVar variation 4706351 (VCV004706351.1).
Genomic context (GRCh38, chrX:77,717,178, plus strand): 5'-TTTTTCAATTTACCTGTGTTTTGATTCATTGCAAGTCGTGGAGGAGAACTTGTTTCTTCA[G>T]ATTCTTCTGATGAGTGTGCAAGGAAGTCATGAAGCTTCTGCACCAATGTATTCAACTTGC-3'
Protein context (NP_000480.3, residues 19-39): HDFLAHSSEE[Ser29Tyr]EETSSPPRLA

ClinVar aggregate classification (germline): Uncertain significance (1 of 4 stars; one submission).

Conditions:
Alpha thalassemia-X-linked intellectual disability syndrome (ATRX). Also called: ALPHA-THALASSEMIA/MENTAL RETARDATION SYNDROME, X-LINKED; ATR, NONDELETION TYPE; ATR-X syndrome; Alpha thalassemia mental retardation syndrome, nondeletion type, X-linked; XLMR hypotonic face syndrome; X-linked alpha-thalassemia-mental retardation syndrome. Identifiers: Orphanet 847, MedGen C1845055, MONDO:0010519, OMIM 301040.

gnomAD v4.1: 1 of 1,211,112 alleles (0.000083%); highest among the groups gnomAD compares: South Asian, 0.0018%; no homozygotes.

Submission:

Labcorp Genetics (formerly Invitae), Labcorp
Classification: Uncertain significance for Alpha thalassemia-X-linked intellectual disability syndrome. Last evaluated: 2025-08-09. Review status: criteria provided, single submitter. Criteria: Invitae Variant Classification Sherloc (09022015). Collection method: clinical testing. Allele origin: germline.
Comment: This sequence change replaces serine, which is neutral and polar, with tyrosine, which is neutral and polar, at codon 29 of the ATRX protein (p.Ser29Tyr). This variant is not present in population databases (gnomAD no frequency). This variant has not been reported in the literature in individuals affected with ATRX-related conditions. Invitae Evidence Modeling of protein sequence and biophysical properties (such as structural, functional, and spatial information, amino acid conservation, physicochemical variation, residue mobility, and thermodynamic stability) indicates that this missense variant is not expected to disrupt ATRX protein function with a negative predictive value of 95%. In summary, the available evidence is currently insufficient to determine the role of this variant in disease. Therefore, it has been classified as a Variant of Uncertain Significance.